The following is an entry in ClinVar:

ClinVar aggregate classification (germline): Conflicting classifications of pathogenicity. Review status: criteria provided, conflicting classifications (1 of 4 stars). 4 submissions from 4 submitters: Uncertain significance (1); Benign (1); Likely benign (2). Last evaluated 2026-01-12.

Conditions:
SALL1-related disorder. Also called: SALL1-related condition.
Inborn genetic diseases. Identifiers: MedGen C0950123, MeSH D030342.
Townes syndrome (TBS). Also called: Townes-Brocks syndrome. Identifiers: Orphanet 857, MedGen C0265246, MeSH C536974, MONDO:0007142.

Allele frequency attached by ClinVar (database versions not stated): gnomAD exomes 0.00001 and 0.00004; ExAC 0.00007; 1000 Genomes Project 30x 0.00016; gnomAD 0.00017 and 0.00018; TOPMed 0.00019; 1000 Genomes Project 0.00020; ESP Exome Variant Server 0.00023.
gnomAD v4.1: 48 of 1,614,184 alleles (0.003%); highest among the groups gnomAD compares: African/African-American, 0.057%; no homozygotes.

Submissions (4):

PreventionGenetics, part of Exact Sciences
Classification: Likely benign for SALL1-related condition. Last evaluated: 2026-01-12. Review status: criteria provided, single submitter. Criteria: ACMG Guidelines, 2015. Collection method: clinical testing. Allele origin: germline.
Comment: This variant is classified as likely benign based on ACMG/AMP sequence variant interpretation guidelines (Richards et al. 2015 PMID: 25741868, with internal and published modifications).

Labcorp Genetics (formerly Invitae), Labcorp
Classification: Likely benign for Townes syndrome. Last evaluated: 2025-06-12. Review status: criteria provided, single submitter. Criteria: Invitae Variant Classification Sherloc (09022015). Collection method: clinical testing. Allele origin: germline.

Ambry Genetics
Classification: Uncertain significance for Inborn genetic diseases. Last evaluated: 2025-04-04. Review status: criteria provided, single submitter. Criteria: Ambry Variant Classification Scheme 2023. Collection method: clinical testing. Allele origin: germline.

GeneDx
Classification: Benign. Last evaluated: 2021-06-15. Review status: criteria provided, single submitter. Criteria: GeneDx Variant Classification Process June 2021. Collection method: clinical testing. Allele origin: germline. Affected: yes.

NM_002968.3(SALL1):c.2752G>A (p.Ala918Thr)

Gene: SALL1 (spalt like transcription factor 1; minus strand). Cytogenetic location: 16q12.1.
Variant type: single nucleotide variant.
Coding change: c.2752G>A on transcript NM_002968.3 (MANE Select); coding-DNA position 2752, G replaced by A.
Protein change: p.Ala918Thr; replaces alanine 918 with threonine.
Molecular consequence: missense variant.
Genome position (GRCh38, 1-based): chr16:51,139,470, C>T on the plus strand (G>A on the coding strand, the complement: SALL1 is on the minus strand). VCF-style: chr16-51139470-C-T. GRCh37 (hg19) VCF-style: chr16-51173381-C-T.
Other names: c.2461G>A, p.Ala821Thr (NM_001127892.2); short protein forms A918T, A821T.
Identifiers: ClinVar variation 800165 (VCV000800165.13), dbSNP rs144782810, ClinGen allele CA8053049.